The following is an entry in ClinVar:

NM_021098.3(CACNA1H):c.4007C>T (p.Thr1336Met)

Gene: CACNA1H (calcium voltage-gated channel subunit alpha1 H; plus strand). Cytogenetic location: 16p13.3.
Variant type: single nucleotide variant.
Coding change: c.4007C>T on transcript NM_021098.3 (MANE Select); coding-DNA position 4007, C replaced by T.
Protein change: p.Thr1336Met; replaces threonine 1336 with methionine.
Molecular consequence: missense variant.
Genome position (GRCh38, 1-based): chr16:1,210,620, C>T. VCF-style: chr16-1210620-C-T. GRCh37 (hg19) VCF-style: chr16-1260620-C-T.
Other names: c.4007C>T (NM_021098.2); c.4007C>T, p.Thr1336Met (NM_001005407.2); short protein forms T1336M.
Identifiers: ClinVar variation 1414750 (VCV001414750.10), dbSNP rs370725735, ClinGen allele CA7801074.

ClinVar aggregate classification (germline): Uncertain significance. Review status: criteria provided, multiple submitters, no conflicts (2 of 4 stars). 3 submissions from 3 submitters: Uncertain significance (3). Last evaluated 2024-05-20.

Conditions:
Hyperaldosteronism, familial, type IV (HALD4). Also called: FH IV; ALDOSTERONISM, PRIMARY, AND HYPERTENSION. Identifiers: Orphanet 642671, MedGen C4310756, MONDO:0014875, OMIM 617027.
Epilepsy, childhood absence, susceptibility to, 6. Identifiers: Orphanet 64280, MedGen C2749872, MONDO:0012763, OMIM 611942.
Idiopathic generalized epilepsy. Also called: Generalised epilepsy; EIG. Identifiers: MedGen C0270850, MONDO:0005579, OMIM 600669.
Inborn genetic diseases. Identifiers: MedGen C0950123, MeSH D030342.

Allele frequency attached by ClinVar (database versions not stated): 1000 Genomes Project 30x 0.00016; 1000 Genomes Project 0.00020.
gnomAD v4.1: 18 of 1,606,802 alleles (0.0011%); highest among the groups gnomAD compares: South Asian, 0.0055%; 1 homozygote.

Submissions (3):

Ambry Genetics
Classification: Uncertain significance for Inborn genetic diseases. Last evaluated: 2024-05-20. Review status: criteria provided, single submitter. Criteria: Ambry Variant Classification Scheme 2023. Collection method: clinical testing. Allele origin: germline.

Fulgent Genetics
Classification: Uncertain significance for Epilepsy, childhood absence, susceptibility to, 6; Hyperaldosteronism, familial, type IV. Last evaluated: 2024-04-18. Review status: criteria provided, single submitter. Criteria: ACMG Guidelines, 2015. Collection method: clinical testing. Allele origin: germline.

Labcorp Genetics (formerly Invitae), Labcorp
Classification: Uncertain significance for Idiopathic generalized epilepsy; Hyperaldosteronism, familial, type IV. Last evaluated: 2023-11-07. Review status: criteria provided, single submitter. Criteria: Invitae Variant Classification Sherloc (09022015). Collection method: clinical testing. Allele origin: germline.
Comment: This sequence change replaces threonine, which is neutral and polar, with methionine, which is neutral and non-polar, at codon 1336 of the CACNA1H protein (p.Thr1336Met). This variant is present in population databases (rs370725735, gnomAD 0.006%). This variant has not been reported in the literature in individuals affected with CACNA1H-related conditions. ClinVar contains an entry for this variant (Variation ID: 1414750). Advanced modeling of protein sequence and biophysical properties (such as structural, functional, and spatial information, amino acid conservation, physicochemical variation, residue mobility, and thermodynamic stability) has been performed at Invitae for this missense variant, however the output from this modeling did not meet the statistical confidence thresholds required to predict the impact of this variant on CACNA1H protein function. In summary, the available evidence is currently insufficient to determine the role of this variant in disease. Therefore, it has been classified as a Variant of Uncertain Significance.